The following is an entry in ClinVar:

NM_000465.4(BARD1):c.309C>T (p.Ser103=)

Gene: BARD1 (BRCA1 associated RING domain 1; minus strand). Cytogenetic location: 2q35.
Variant type: single nucleotide variant.
Coding change: c.309C>T on transcript NM_000465.4 (MANE Select); coding-DNA position 309, C replaced by T.
Protein change: p.Ser103=; no amino-acid change (serine 103 retained).
Molecular consequence: synonymous variant. On other transcripts: non-coding transcript variant (1), intron variant (2).
Genome position (GRCh38, 1-based): chr2:214,792,352, G>A on the plus strand (C>T on the coding strand, the complement: BARD1 is on the minus strand). VCF-style: chr2-214792352-G-A. GRCh37 (hg19) VCF-style: chr2-215657076-G-A.
Other names: c.252C>T, p.Ser84= (NM_001282543.2); c.309C>T, p.Ser103= (NM_001282549.2); c.158+17060C>T (NM_001282548.2); c.215+4709C>T (NM_001282545.2).
Identifiers: ClinVar variation 3378736 (VCV003378736.1).

ClinVar aggregate classification (germline): Benign (1 of 4 stars; one submission).

Conditions:
Familial cancer of breast. Also called: hereditary breast carcinoma; Hereditary breast cancer; BREAST CANCER, FAMILIAL. Identifiers: Orphanet 227535, MedGen C0346153, MONDO:0016419, OMIM 114480. Disease mechanism: loss of function.

Submission:

Myriad Genetics, Inc.
Classification: Benign for Familial cancer of breast. Last evaluated: 2024-07-19. Review status: criteria provided, single submitter. Criteria: Myriad Autosomal Dominant, Autosomal Recessive and X-Linked Classification Criteria (2023). Collection method: clinical testing. Allele origin: unknown.
Comment: This variant is considered benign. This variant is a silent/synonymous amino acid change and it is not expected to impact splicing.